The following is an entry in ClinVar:

NM_017841.4(SDHAF2):c.196A>G (p.Lys66Glu)

Gene: SDHAF2 (succinate dehydrogenase complex assembly factor 2; plus strand). Cytogenetic location: 11q12.2.
Variant type: single nucleotide variant.
Coding change: c.196A>G on transcript NM_017841.4 (MANE Select); coding-DNA position 196, A replaced by G.
Protein change: p.Lys66Glu; replaces lysine 66 with glutamic acid.
Molecular consequence: missense variant.
Genome position (GRCh38, 1-based): chr11:61,437,784, A>G. VCF-style: chr11-61437784-A-G. GRCh37 (hg19) VCF-style: chr11-61205256-A-G.
Other names: short protein forms K66E.
Identifiers: ClinVar variation 1408455 (VCV001408455.12), dbSNP rs371977724, ClinGen allele CA222877339.

ClinVar aggregate classification (germline): Uncertain significance. Review status: criteria provided, multiple submitters, no conflicts (2 of 4 stars). 4 submissions from 4 submitters: Uncertain significance (4). Last evaluated 2024-11-12.

Conditions:
Hereditary cancer-predisposing syndrome. Also called: Tumor predisposition; Hereditary Cancer Syndrome; Hereditary neoplastic syndrome; Neoplastic Syndromes, Hereditary. Identifiers: Orphanet 140162, MedGen C0027672, MeSH D009386, MONDO:0015356.
Hereditary pheochromocytoma and paraganglioma. Also called: Hereditary paragangliomas and pheochromocytomas; Hereditary Paraganglioma-Pheochromocytoma Syndromes; Hereditary pheochromocytoma-paraganglioma. Identifiers: Orphanet 29072, MedGen C4274332, MONDO:0017366.
Pheochromocytoma/paraganglioma syndrome 2. Also called: SDHAF2-Related Hereditary Paraganglioma-Pheochromocytoma Syndrome; GLOMUS TUMORS, FAMILIAL, 2; Paragangliomas 2; SDHAF2-Related Hereditary Paraganglioma-Pheochromocytoma Syndrome (Paragangliomas 2). Identifiers: Orphanet 29072, MedGen C1866552, MONDO:0011121, OMIM 601650.

Allele frequency attached by ClinVar (database versions not stated): gnomAD exomes below 0.00001; TOPMed 0.00001; ESP Exome Variant Server 0.00008.
gnomAD v4.1: 1 of 1,614,134 alleles (0.000062%); highest among the groups gnomAD compares: Non-Finnish European, 0.000085%; no homozygotes.

Submissions (4):

Ambry Genetics
Classification: Uncertain significance for Hereditary cancer-predisposing syndrome. Last evaluated: 2024-11-12. Review status: criteria provided, single submitter. Criteria: Ambry Variant Classification Scheme 2023. Collection method: clinical testing. Allele origin: germline.

GeneDx
Classification: Uncertain significance. Last evaluated: 2023-10-09. Review status: criteria provided, single submitter. Criteria: GeneDx Variant Classification Process June 2021. Collection method: clinical testing. Allele origin: germline. Affected: yes.
Comment: Not observed at significant frequency in large population cohorts (gnomAD); In silico analysis supports that this missense variant has a deleterious effect on protein structure/function; Has not been previously published as pathogenic or benign to our knowledge

Baylor Genetics
Classification: Uncertain significance for Pheochromocytoma/paraganglioma syndrome 2. Last evaluated: 2023-09-06. Review status: criteria provided, single submitter. Criteria: ACMG Guidelines, 2015. Collection method: clinical testing. Allele origin: unknown.

Labcorp Genetics (formerly Invitae), Labcorp
Classification: Uncertain significance for Hereditary pheochromocytoma and paraganglioma. Last evaluated: 2022-08-10. Review status: criteria provided, single submitter. Criteria: Invitae Variant Classification Sherloc (09022015). Collection method: clinical testing. Allele origin: germline.
Comment: Algorithms developed to predict the effect of missense changes on protein structure and function are either unavailable or do not agree on the potential impact of this missense change (SIFT: "Deleterious"; PolyPhen-2: "Possibly Damaging"; Align-GVGD: "Class C15"). In summary, the available evidence is currently insufficient to determine the role of this variant in disease. Therefore, it has been classified as a Variant of Uncertain Significance. ClinVar contains an entry for this variant (Variation ID: 1408455). This variant has not been reported in the literature in individuals affected with SDHAF2-related conditions. This variant is not present in population databases (gnomAD no frequency). This sequence change replaces lysine, which is basic and polar, with glutamic acid, which is acidic and polar, at codon 66 of the SDHAF2 protein (p.Lys66Glu).